The following is an entry in ClinVar:

ClinVar aggregate classification (germline): Conflicting classifications of pathogenicity. Review status: criteria provided, conflicting classifications (1 of 4 stars). 6 submissions from 6 submitters: Uncertain significance (5); Likely benign (1). Last evaluated 2026-01-26.

Conditions:
POLD1-related polyposis and colorectal cancer syndrome (CRCS10). Also called: Colorectal cancer 10; COLORECTAL CANCER, SUSCEPTIBILITY TO, ON CHROMOSOME 19q; Colorectal cancer, susceptibility to, 10. Identifiers: Orphanet 220460, MedGen C2675481, MONDO:0012953, OMIM 612591.
Mandibular hypoplasia-deafness-progeroid syndrome. Also called: Mandibular hypoplasia, deafness, progeroid features, and lipodystrophy syndrome. Identifiers: Orphanet 363649, MedGen C3715192, MONDO:0014157, OMIM 615381.
Immunodeficiency 120. Identifiers: MedGen C5935622, MONDO:0970994, OMIM 620836.
Hereditary cancer-predisposing syndrome. Also called: Tumor predisposition; Hereditary Cancer Syndrome; Hereditary neoplastic syndrome; Neoplastic Syndromes, Hereditary. Identifiers: Orphanet 140162, MedGen C0027672, MeSH D009386, MONDO:0015356.

Allele frequency attached by ClinVar (database versions not stated): ExAC below 0.00001; gnomAD exomes 0.00001 and 0.00002; TOPMed 0.00002; gnomAD 0.00002.

Submissions (6):

Labcorp Genetics (formerly Invitae), Labcorp
Classification: Uncertain significance for POLD1-related polyposis and colorectal cancer syndrome. Last evaluated: 2026-01-26. Review status: criteria provided, single submitter. Criteria: Invitae Variant Classification Sherloc (09022015). Collection method: clinical testing. Allele origin: germline.
Comment: This sequence change replaces arginine, which is basic and polar, with tryptophan, which is neutral and slightly polar, at codon 358 of the POLD1 protein (p.Arg358Trp). The frequency data for this variant in the population databases is considered unreliable, as metrics indicate poor data quality at this position in the gnomAD database. This variant has not been reported in the literature in individuals affected with POLD1-related conditions. ClinVar contains an entry for this variant (Variation ID: 484375). Invitae Evidence Modeling of protein sequence and biophysical properties (such as structural, functional, and spatial information, amino acid conservation, physicochemical variation, residue mobility, and thermodynamic stability) indicates that this missense variant is not expected to disrupt POLD1 protein function with a negative predictive value of 80%. In summary, the available evidence is currently insufficient to determine the role of this variant in disease. Therefore, it has been classified as a Variant of Uncertain Significance.

Ambry Genetics
Classification: Likely benign for Hereditary cancer-predisposing syndrome. Last evaluated: 2024-10-17. Review status: criteria provided, single submitter. Criteria: Ambry Variant Classification Scheme 2023. Collection method: clinical testing. Allele origin: germline.

Fulgent Genetics
Classification: Uncertain significance for POLD1-related polyposis and colorectal cancer syndrome; Mandibular hypoplasia-deafness-progeroid syndrome; Immunodeficiency 120. Last evaluated: 2024-05-02. Review status: criteria provided, single submitter. Criteria: ACMG Guidelines, 2015. Collection method: clinical testing. Allele origin: germline.

Blueprint Genetics
Classification: Uncertain significance. Last evaluated: 2023-11-28. Review status: criteria provided, single submitter. Criteria: ACMG Guidelines, 2015. Collection method: clinical testing. Allele origin: germline.

GeneDx
Classification: Uncertain significance. Last evaluated: 2023-02-01. Review status: criteria provided, single submitter. Criteria: GeneDx Variant Classification Process June 2021. Collection method: clinical testing. Allele origin: germline. Affected: yes.
Comment: In silico analysis supports that this missense variant has a deleterious effect on protein structure/function; Has not been previously published as pathogenic or benign to our knowledge; This variant is associated with the following publications: (PMID: 20951805)

Department of Pathology and Laboratory Medicine, Sinai Health System
Classification: Uncertain significance for POLD1-related polyposis and colorectal cancer syndrome; Mandibular hypoplasia-deafness-progeroid syndrome; Immunodeficiency 120. Last evaluated: 2022-10-11. Review status: criteria provided, single submitter. Criteria: ACMG Guidelines, 2015. Collection method: clinical testing. Allele origin: germline. Affected: no.

NM_002691.4(POLD1):c.1072C>T (p.Arg358Trp)

Gene: POLD1 (DNA polymerase delta 1, catalytic subunit; plus strand). Cytogenetic location: 19q13.33.
Variant type: single nucleotide variant.
Coding change: c.1072C>T on transcript NM_002691.4 (MANE Select); coding-DNA position 1072, C replaced by T.
Protein change: p.Arg358Trp; replaces arginine 358 with tryptophan.
Molecular consequence: missense variant. On other transcripts: non-coding transcript variant (1).
Genome position (GRCh38, 1-based): chr19:50,403,154, C>T. VCF-style: chr19-50403154-C-T. GRCh37 (hg19) VCF-style: chr19-50906411-C-T.
Other names: c.1072C>T, p.Arg358Trp (NM_001256849.1, NM_001308632.1); short protein forms R358W.
Identifiers: ClinVar variation 484375 (VCV000484375.21), dbSNP rs751775497, ClinGen allele CA9596016.